The following is an entry in ClinVar:

NM_001318810.2(SLITRK3):c.2211T>C (p.Gly737=)

Gene: SLITRK3 (SLIT and NTRK like family member 3; minus strand). Cytogenetic location: 3q26.1.
Variant type: single nucleotide variant.
Coding change: c.2211T>C on transcript NM_001318810.2 (MANE Select); coding-DNA position 2211, T replaced by C.
Protein change: p.Gly737=; no amino-acid change (glycine 737 retained).
Molecular consequence: synonymous variant.
Genome position (GRCh38, 1-based): chr3:165,188,620, A>G on the plus strand (T>C on the coding strand, the complement: SLITRK3 is on the minus strand). VCF-style: chr3-165188620-A-G. GRCh37 (hg19) VCF-style: chr3-164906408-A-G.
Other names: c.2211T>C, p.Gly737= (NM_001318811.2, NM_014926.4).
Identifiers: ClinVar variation 2654263 (VCV002654263.24), dbSNP rs2473604694, ClinGen allele CA436966830.
Genomic context (GRCh38, chr3:165,188,620, plus strand): 5'-CTTGTAGATGGGGTTGTTGCACATTTGGGTAACCGGGTGGGGGATGTACTCATACACATG[A>G]CCCACGGGAGGGGCCTTCTCTGGAGAGGAAAGAGTTGGTCGACCACCACCCCCACTTCCG-3'
Protein context (NP_001305739.1, residues 727-747): LSSPEKAPPV[Gly737=]HVYEYIPHPV

ClinVar aggregate classification (germline): Likely benign (1 of 4 stars; one submission).

gnomAD v4.1: 1 of 1,613,340 alleles (0.000062%); no homozygotes.

Submission:

CeGaT Center for Human Genetics Tuebingen
Classification: Likely benign. Last evaluated: 2023-01-01. Review status: criteria provided, single submitter. Criteria: CeGaT Center For Human Genetics Tuebingen Variant Classification Criteria Version 2. Collection method: clinical testing. Allele origin: germline. Affected: yes. Observed: 1 variant allele.
Comment: SLITRK3: PM2:Supporting, BP4, BP7